The following is an entry in ClinVar:

NM_001308330.2(STXBP5L):c.1857G>A (p.Met619Ile)

Gene: STXBP5L (syntaxin binding protein 5L; plus strand). Cytogenetic location: 3q13.33.
Variant type: single nucleotide variant.
Coding change: c.1857G>A on transcript NM_001308330.2 (MANE Select); coding-DNA position 1857, G replaced by A.
Protein change: p.Met619Ile; replaces methionine 619 with isoleucine.
Molecular consequence: missense variant. On other transcripts: non-coding transcript variant (1).
Genome position (GRCh38, 1-based): chr3:121,259,067, G>A. VCF-style: chr3-121259067-G-A. GRCh37 (hg19) VCF-style: chr3-120977914-G-A.
Other names: c.1857G>A, p.Met619Ile (NM_001348343.2, NM_001348344.2, NM_001348345.2 and 1 more transcripts); short protein forms M619I.
Identifiers: ClinVar variation 4982189 (VCV004982189.1).

ClinVar aggregate classification (germline): Uncertain significance (1 of 4 stars; one submission).

Conditions:
STXBP5L-related disorder. Also called: STXBP5L-related condition.

Submission:

PreventionGenetics, part of Exact Sciences
Classification: Uncertain significance for STXBP5L-related condition. Last evaluated: 2026-06-04. Review status: criteria provided, single submitter. Criteria: ACMG Guidelines, 2015. Collection method: clinical testing. Allele origin: germline.
Comment: The STXBP5L c.1857G>A variant is predicted to result in the amino acid substitution p.Met619Ile. To our knowledge, this variant has not been reported in the literature or in a large population database (gnomAD), indicating this variant is rare. At this time, the clinical significance of this variant is uncertain due to the absence of conclusive functional and genetic evidence.